The following is an entry in ClinVar:

NM_005359.6(SMAD4):c.284A>G (p.Tyr95Cys)

Gene: SMAD4 (SMAD family member 4; plus strand). Cytogenetic location: 18q21.2.
Variant type: single nucleotide variant.
Coding change: c.284A>G on transcript NM_005359.6 (MANE Select); coding-DNA position 284, A replaced by G.
Protein change: p.Tyr95Cys; replaces tyrosine 95 with cysteine.
Molecular consequence: missense variant.
Genome position (GRCh38, 1-based): chr18:51,048,720, A>G. VCF-style: chr18-51048720-A-G. GRCh37 (hg19) VCF-style: chr18-48575090-A-G.
Other names: short protein forms Y95C.
Identifiers: ClinVar variation 925503 (VCV000925503.4), dbSNP rs1460631652, ClinGen allele CA402458239.

ClinVar aggregate classification (germline): Uncertain significance. Review status: criteria provided, multiple submitters, no conflicts (2 of 4 stars). 2 submissions from 2 submitters: Uncertain significance (2). Last evaluated 2024-03-06.

Conditions:
Juvenile polyposis syndrome (JPS). Identifiers: Orphanet 2929, MedGen C0345893, MONDO:0017380, OMIM 174900.
Hereditary cancer-predisposing syndrome. Also called: Hereditary Cancer Syndrome; Hereditary neoplastic syndrome; Neoplastic Syndromes, Hereditary; Tumor predisposition. Identifiers: Orphanet 140162, MedGen C0027672, MeSH D009386, MONDO:0015356.

Submissions (2):

Labcorp Genetics (formerly Invitae), Labcorp
Classification: Uncertain significance for Juvenile polyposis syndrome. Last evaluated: 2024-03-06. Review status: criteria provided, single submitter. Criteria: Invitae Variant Classification Sherloc (09022015). Collection method: clinical testing. Allele origin: germline.
Comment: This sequence change replaces tyrosine, which is neutral and polar, with cysteine, which is neutral and slightly polar, at codon 95 of the SMAD4 protein (p.Tyr95Cys). This variant is not present in population databases (gnomAD no frequency). This variant has not been reported in the literature in individuals affected with SMAD4-related conditions. ClinVar contains an entry for this variant (Variation ID: 925503). Advanced modeling of protein sequence and biophysical properties (such as structural, functional, and spatial information, amino acid conservation, physicochemical variation, residue mobility, and thermodynamic stability) has been performed at Invitae for this missense variant, however the output from this modeling did not meet the statistical confidence thresholds required to predict the impact of this variant on SMAD4 protein function. In summary, the available evidence is currently insufficient to determine the role of this variant in disease. Therefore, it has been classified as a Variant of Uncertain Significance.

Color Diagnostics, LLC DBA Color Health
Classification: Uncertain significance for Hereditary cancer-predisposing syndrome. Last evaluated: 2019-05-30. Review status: criteria provided, single submitter. Criteria: ACMG Guidelines, 2015. Collection method: clinical testing. Allele origin: germline.